The following is an entry in ClinVar:

NM_001386135.1(AFF3):c.2591+5G>A

Gene: AFF3 (ALF transcription elongation factor 3; minus strand). Cytogenetic location: 2q11.2.
Variant type: single nucleotide variant.
Coding change: c.2591+5G>A on transcript NM_001386135.1 (MANE Select); 5 bases into the intron after coding-DNA position 2591, G replaced by A.
Molecular consequence: intron variant.
Genome position (GRCh38, 1-based): chr2:99,587,149, C>T on the plus strand (G>A on the coding strand, the complement: AFF3 is on the minus strand). VCF-style: chr2-99587149-C-T. GRCh37 (hg19) VCF-style: chr2-100203611-C-T.
Other names: c.2591+5G>A (NM_002285.3); c.2666+5G>A (NM_001025108.2).
Identifiers: ClinVar variation 3035450 (VCV003035450.2), dbSNP rs186937286, ClinGen allele CA1800849.

ClinVar aggregate classification (germline): Benign (0 of 4 stars; one submission).

Conditions:
AFF3-related disorder. Also called: AFF3-related condition.

Allele frequency attached by ClinVar (database versions not stated): gnomAD exomes 0.00025; ExAC 0.00065; gnomAD 0.00178; TOPMed 0.00207; ESP Exome Variant Server 0.00231; 1000 Genomes Project 30x 0.00234; 1000 Genomes Project 0.00260.
gnomAD v4.1: 636 of 1,613,908 alleles (0.039%); highest among the groups gnomAD compares: African/African-American, 0.68%; 2 homozygotes.

Submission:

PreventionGenetics, part of Exact Sciences
Classification: Benign for AFF3-related condition. Last evaluated: 2020-04-29. Review status: no assertion criteria provided. Collection method: clinical testing. Allele origin: germline.
Comment: This variant is classified as benign based on ACMG/AMP sequence variant interpretation guidelines (Richards et al. 2015 PMID: 25741868, with internal and published modifications).